The following is an entry in ClinVar:

NM_012120.3(CD2AP):c.*160A>G

Gene: CD2AP (CD2 associated protein; plus strand). Cytogenetic location: 6p12.3.
Variant type: single nucleotide variant.
Coding change: c.*160A>G on transcript NM_012120.3 (MANE Select); 160 bases downstream of the stop codon, A replaced by G.
Molecular consequence: 3 prime UTR variant.
Genome position (GRCh38, 1-based): chr6:47,624,387, A>G. VCF-style: chr6-47624387-A-G. GRCh37 (hg19) VCF-style: chr6-47592123-A-G.
Identifiers: ClinVar variation 908652 (VCV000908652.4), dbSNP rs112547257, ClinGen allele CA137937562.

ClinVar aggregate classification (germline): Benign (1 of 4 stars; one submission).

Conditions:
Focal segmental glomerulosclerosis 3, susceptibility to (FSGS3). Identifiers: Orphanet 656, MedGen C1842982, MONDO:0011917, OMIM 607832.

Allele frequency attached by ClinVar (database versions not stated): gnomAD exomes 0.00019; 1000 Genomes Project 0.00180; TOPMed 0.00194; gnomAD 0.00196 and 0.00209; 1000 Genomes Project 30x 0.00219.
gnomAD v4.1: 392 of 614,244 alleles (0.064%); highest among the groups gnomAD compares: African/African-American, 0.66%; no homozygotes.

Submission:

Illumina Laboratory Services, Illumina
Classification: Benign for Focal segmental glomerulosclerosis 3, susceptibility to. Last evaluated: 2018-01-12. Review status: criteria provided, single submitter. Criteria: ICSL Variant Classification Criteria 13 December 2019. Collection method: clinical testing. Allele origin: germline.
Comment: This variant was observed in the ICSL laboratory as part of a predisposition screen in an ostensibly healthy population. It had not been previously curated by ICSL or reported in the Human Gene Mutation Database (HGMD: prior to June 1st, 2018), and was therefore a candidate for classification through an automated scoring system. Utilizing variant allele frequency, disease prevalence and penetrance estimates, and inheritance mode, an automated score was calculated to assess if this variant is too frequent to cause the disease. Based on the score and internal cut-off values, a variant classified as benign is not then subjected to further curation. The score for this variant resulted in a classification of benign for this disease.